The following is an entry in ClinVar:

NM_001127222.2(CACNA1A):c.3829C>T (p.Arg1277Ter)

Gene: CACNA1A (calcium voltage-gated channel subunit alpha1 A; minus strand). Cytogenetic location: 19p13.13.
Variant type: single nucleotide variant.
Coding change: c.3829C>T on transcript NM_001127222.2 (MANE Select); coding-DNA position 3829, C replaced by T.
Protein change: p.Arg1277Ter; replaces arginine 1277 with a stop codon.
Molecular consequence: nonsense.
Genome position (GRCh38, 1-based): chr19:13,277,122, G>A on the plus strand (C>T on the coding strand, the complement: CACNA1A is on the minus strand). VCF-style: chr19-13277122-G-A. GRCh37 (hg19) VCF-style: chr19-13387936-G-A.
Other names: c.3829C>T (NM_001127222.1); c.3841C>T, p.Arg1281Ter (NM_000068.4, NM_023035.3); c.3832C>T, p.Arg1278Ter (NM_001127221.2, NM_001174080.2); short protein forms R1281*, R1278*, R1277*.
Identifiers: ClinVar variation 8506 (VCV000008506.14), dbSNP rs121909323, ClinGen allele CA254476.

ClinVar aggregate classification (germline): Pathogenic. Review status: criteria provided, multiple submitters, no conflicts (2 of 4 stars). 7 submissions from 7 submitters: Pathogenic (5). 2 of the submissions do not count toward it. Last evaluated 2026-01-05.

Conditions:
CACNA1A-related complex neurodevelopmental disorder. Identifiers: MedGen CN323281, MONDO:0100254.
Episodic ataxia type 2 (EA2). Also called: ATAXIA, EPISODIC, WITH NYSTAGMUS; ATAXIA, FAMILIAL PAROXYSMAL; CEREBELLAR ATAXIA, PAROXYSMAL, ACETAZOLAMIDE-RESPONSIVE; CEREBELLOPATHY, HEREDITARY PAROXYSMAL; ACETAZOLAMIDE-RESPONSIVE HEREDITARY PAROXYSMAL CEREBELLAR ATAXIA; EPISODIC ATAXIA, NYSTAGMUS-ASSOCIATED. Identifiers: Orphanet 97, MedGen C1720416, MONDO:0007163, OMIM 108500.
Developmental and epileptic encephalopathy, 42 (DEE42A). Also called: Epileptic encephalopathy, early infantile, 42; DEVELOPMENTAL AND EPILEPTIC ENCEPHALOPATHY 42A; EPILEPTIC ENCEPHALOPATHY, EARLY INFANTILE, 42A. Identifiers: MedGen C4310716, MONDO:0014917, OMIM 617106.
CACNA1A-related disorder. Also called: CACNA1A-related condition.

Submissions (7):

Labcorp Genetics (formerly Invitae), Labcorp
Classification: Pathogenic for Developmental and epileptic encephalopathy, 42; Episodic ataxia type 2. Last evaluated: 2026-01-05. Review status: criteria provided, single submitter. Criteria: Invitae Variant Classification Sherloc (09022015). Collection method: clinical testing. Allele origin: germline.
Comment: This sequence change creates a premature translational stop signal (p.Arg1278*) in the CACNA1A gene. It is expected to result in an absent or disrupted protein product. Loss-of-function variants in CACNA1A are known to be pathogenic (PMID: 10371528, 19486177, 25735478, 27250579). This variant is not present in population databases (gnomAD no frequency). This premature translational stop signal has been observed in individual(s) with CACNA1A-related conditions (PMID: 9600739, 25735478, 25784583). In at least one individual the variant was observed to be de novo. This variant is also known as c.4110C>T (p.Arg1279*). ClinVar contains an entry for this variant (Variation ID: 8506). For these reasons, this variant has been classified as Pathogenic.

PreventionGenetics, part of Exact Sciences
Classification: Pathogenic for CACNA1A-related condition. Last evaluated: 2025-11-17. Review status: criteria provided, single submitter. Criteria: ACMG Guidelines, 2015. Collection method: clinical testing. Allele origin: germline.
Comment: The CACNA1A c.3829C>T variant is predicted to result in premature protein termination (p.Arg1277*). This variant was reported in individuals with episodic ataxia (Yue et al. 1998. PubMed ID: 9600739; Choi et al. 2015. PubMed ID: 25784583). This variant has not been reported in a large population database (gnomAD), indicating this variant is rare. Nonsense variants in CACNA1A are expected to be pathogenic. This variant is interpreted as pathogenic.

Victorian Clinical Genetics Services, Murdoch Childrens Research Institute
Classification: Pathogenic for CACNA1A-related complex neurodevelopmental disorder. Last evaluated: 2024-10-08. Review status: criteria provided, single submitter. Criteria: ACMG Guidelines, 2015. Collection method: clinical testing. Allele origin: germline. Inheritance: Autosomal dominant inheritance. Affected: yes.
Comment: Based on the classification scheme VCGS_Germline_v1.3.4, this variant is classified as Pathogenic. Following criteria are met: 0103 - Loss of function and gain of function are known mechanisms of disease in this gene. Type 2 episodic ataxia (MIM#108500) is mostly associated with loss of function, while familial hemiplegic migraine 1, with or without progressive cerebellar ataxia (MIM#141500) is associated with gain of function. Developmental and epileptic encephalopathy 42 (MIM#617106) is associated with both mechanisms, and spinocerebellar ataxia 6 (MIM#183086) is associated with CAG repeat expansion (OMIM, PMID: 25735478, 28566750, 31468518, 32116539). (I) 0107 - This gene is associated with autosomal dominant disease. (I) 0112 - The condition associated with this gene has incomplete penetrance. Asymptomatic family members have been reported to carry the same variant as affected family members (PMID: 10408533, 30142438). (I) 0115 - Variants in this gene are known to have variable expressivity. Intrafamilial variability has been reported for episodic ataxia, intellectual disability and/or epilepsy (PMID: 30142438, 32910250). (I) 0201 - Variant is predicted to cause nonsense-mediated decay (NMD) and loss of protein (premature termination codon is located at least 54 nucleotides upstream of the final exon-exon junction). (SP) 0251 - This variant is heterozygous. (I) 0301 - Variant is absent from gnomAD (both v2 and v3). (SP) 0701 - Many other NMD-predicted variants comparable to the one identified in this case have very strong previous evidence for pathogenicity (DECIPHER). (SP) 0802 - This variant has moderate previous evidence of pathogenicity in unrelated individuals. This variant has been classified as pathogenic in ClinVar and has been observed in two unrelated families with CACNA1A-related symptoms. (PMID: 25735478, 25784583). (I) Legend: (SP) - Supporting pathogenic, (I) - Information, (SB) - Supporting benign

GeneDx
Classification: Pathogenic. Last evaluated: 2023-12-22. Review status: criteria provided, single submitter. Criteria: GeneDx Variant Classification Process June 2021. Collection method: clinical testing. Allele origin: germline. Affected: yes.
Comment: Published functional studies demonstrate a damaging effect as variant leads to markedly decreased current densities compared to wild type (PMID: 11723274); Nonsense variant predicted to result in protein truncation or nonsense mediated decay in a gene for which loss of function is a known mechanism of disease; Not observed at significant frequency in large population cohorts (gnomAD); This variant is associated with the following publications: (PMID: 25525159, 11742003, 16306128, 28167673, 11723274, 32899500, 9600739, 25735478, 27667184, 25784583)

Blueprint Genetics
Classification: Pathogenic for CACNA1A-related disorders. Last evaluated: 2020-09-02. Review status: criteria provided, single submitter. Criteria: ACMG Guidelines, 2015. Collection method: clinical testing. Allele origin: germline. Affected: yes. Observed: 1 variant allele.

E. Rossignol Lab, CHU Ste-Justine, Universite de Montreal
Classification: Pathogenic for Episodic ataxia type 2. Last evaluated: 2014-11-25. Review status: no assertion criteria provided. Criteria: clinical testing. Collection method: clinical testing. Allele origin: paternal, unknown. Inheritance: Autosomal dominant inheritance. Affected: yes. Observed: 7 heterozygotes. Clinical features observed: episodic ataxia, epileptic encephalopathy, intellectual deficiency, down-beat nystagmus, febrile seizures, learning impairment, ADHD, downbeat nystagmus, autism. Not counted in ClinVar's aggregate classification.
Comment: previously reported dbSNP: rs121909323

OMIM
Classification: Pathogenic for EPISODIC ATAXIA, TYPE 2. Last evaluated: 2001-11-27. Review status: no assertion criteria provided. Collection method: literature only. Allele origin: germline. Not counted in ClinVar's aggregate classification.

Literature cited by the submitters: PubMed 10371528 (cited by Labcorp Genetics (formerly Invitae), Labcorp); PubMed 19486177 (cited by Labcorp Genetics (formerly Invitae), Labcorp); PubMed 25735478 (cited by 3 submitters); PubMed 27250579 (cited by Labcorp Genetics (formerly Invitae), Labcorp); PubMed 9600739 (cited by Labcorp Genetics (formerly Invitae), Labcorp and OMIM); PubMed 25784583 (cited by Labcorp Genetics (formerly Invitae), Labcorp and Victorian Clinical Genetics Services, Murdoch Childrens Research Institute); PubMed 10408533 (cited by Victorian Clinical Genetics Services, Murdoch Childrens Research Institute); PubMed 28566750 (cited by Victorian Clinical Genetics Services, Murdoch Childrens Research Institute); PubMed 30142438 (cited by Victorian Clinical Genetics Services, Murdoch Childrens Research Institute); PubMed 31468518 (cited by Victorian Clinical Genetics Services, Murdoch Childrens Research Institute); PubMed 32116539 (cited by Victorian Clinical Genetics Services, Murdoch Childrens Research Institute); PubMed 32910250 (cited by Victorian Clinical Genetics Services, Murdoch Childrens Research Institute); PubMed 11723274 (cited by OMIM).